The following is an entry in ClinVar:

NM_000512.5(GALNS):c.1067C>T (p.Thr356Met)

Gene: GALNS (galactosamine (N-acetyl)-6-sulfatase; minus strand). Cytogenetic location: 16q24.3.
Variant type: single nucleotide variant.
Coding change: c.1067C>T on transcript NM_000512.5 (MANE Select); coding-DNA position 1067, C replaced by T.
Protein change: p.Thr356Met; replaces threonine 356 with methionine.
Molecular consequence: missense variant.
Genome position (GRCh38, 1-based): chr16:88,826,774, G>A on the plus strand (C>T on the coding strand, the complement: GALNS is on the minus strand). VCF-style: chr16-88826774-G-A. GRCh37 (hg19) VCF-style: chr16-88893182-G-A.
Other names: c.512C>T, p.Thr171Met (NM_001323543.2); c.1085C>T, p.Thr362Met (NM_001323544.2); short protein forms T356M, T362M, T171M.
Identifiers: ClinVar variation 936586 (VCV000936586.7), dbSNP rs1017572961, ClinGen allele CA286451530.

ClinVar aggregate classification (germline): Uncertain significance (1 of 4 stars; one submission).

Conditions:
Mucopolysaccharidosis, MPS-IV-A (MPS4A). Also called: Mucopolysaccharidosis Type IVA; MPS IVA; MORQUIO A DISEASE; Mucopolysaccharidosis type IV A; GALACTOSAMINE-6-SULFATASE DEFICIENCY; GALNS DEFICIENCY. Identifiers: Orphanet 309297, Orphanet 582, MedGen C0086651, MONDO:0009659, OMIM 253000.

Allele frequency attached by ClinVar (database versions not stated): gnomAD 0.00001; gnomAD exomes 0.00002.
gnomAD v4.1: 35 of 1,607,280 alleles (0.0022%); highest among the groups gnomAD compares: Non-Finnish European, 0.0025%; no homozygotes.

Submission:

Labcorp Genetics (formerly Invitae), Labcorp
Classification: Uncertain significance for Mucopolysaccharidosis, MPS-IV-A. Last evaluated: 2022-04-12. Review status: criteria provided, single submitter. Criteria: Invitae Variant Classification Sherloc (09022015). Collection method: clinical testing. Allele origin: germline.
Comment: This sequence change replaces threonine, which is neutral and polar, with methionine, which is neutral and non-polar, at codon 356 of the GALNS protein (p.Thr356Met). The frequency data for this variant in the population databases is considered unreliable, as metrics indicate poor data quality at this position in the gnomAD database. This variant has not been reported in the literature in individuals affected with GALNS-related conditions. ClinVar contains an entry for this variant (Variation ID: 936586). Advanced modeling of protein sequence and biophysical properties (such as structural, functional, and spatial information, amino acid conservation, physicochemical variation, residue mobility, and thermodynamic stability) performed at Invitae indicates that this missense variant is not expected to disrupt GALNS protein function. In summary, the available evidence is currently insufficient to determine the role of this variant in disease. Therefore, it has been classified as a Variant of Uncertain Significance.